The following is an entry in ClinVar:

ClinVar aggregate classification (germline): Likely benign (0 of 4 stars; one submission).

Conditions:
ME2-related disorder. Also called: ME2-related condition.

Allele frequency attached by ClinVar (database versions not stated): 1000 Genomes Project 0.00020; 1000 Genomes Project 30x 0.00031; ExAC 0.00095; ESP Exome Variant Server 0.00100; TOPMed 0.00113; gnomAD 0.00130; gnomAD exomes 0.00164.
gnomAD v4.1: 2,565 of 1,612,162 alleles (0.16%); highest among the groups gnomAD compares: Middle Eastern, 0.2%; 1 homozygote.

Submission:

PreventionGenetics, part of Exact Sciences
Classification: Likely benign for ME2-related condition. Last evaluated: 2019-03-29. Review status: no assertion criteria provided. Collection method: clinical testing. Allele origin: germline.
Comment: This variant is classified as likely benign based on ACMG/AMP sequence variant interpretation guidelines (Richards et al. 2015 PMID: 25741868, with internal and published modifications).

NM_002396.5(ME2):c.1230C>T (p.Ile410=)

Gene: ME2 (malic enzyme 2; plus strand). Cytogenetic location: 18q21.2.
Variant type: single nucleotide variant.
Coding change: c.1230C>T on transcript NM_002396.5 (MANE Select); coding-DNA position 1230, C replaced by T.
Protein change: p.Ile410=; no amino-acid change (isoleucine 410 retained).
Molecular consequence: synonymous variant. On other transcripts: non-coding transcript variant (1).
Genome position (GRCh38, 1-based): chr18:50,925,814, C>T. VCF-style: chr18-50925814-C-T. GRCh37 (hg19) VCF-style: chr18-48452184-C-T.
Other names: c.1230C>T, p.Ile410= (NM_001168335.2).
Identifiers: ClinVar variation 3043069 (VCV003043069.2), dbSNP rs142095996, ClinGen allele CA8965304.